The following is an entry in ClinVar:

NM_001282531.3(ADNP):c.3207T>A (p.Ile1069=)

Gene: ADNP (activity dependent neuroprotector homeobox; minus strand). Cytogenetic location: 20q13.13.
Variant type: single nucleotide variant.
Coding change: c.3207T>A on transcript NM_001282531.3 (MANE Select); coding-DNA position 3207, T replaced by A.
Protein change: p.Ile1069=; no amino-acid change (isoleucine 1069 retained).
Molecular consequence: synonymous variant.
Genome position (GRCh38, 1-based): chr20:50,891,507, A>T on the plus strand (T>A on the coding strand, the complement: ADNP is on the minus strand). VCF-style: chr20-50891507-A-T. GRCh37 (hg19) VCF-style: chr20-49508044-A-T.
Other names: c.3207T>A, p.Ile1069= (NM_001282532.2, NM_001347511.2, NM_015339.5 and 1 more transcripts).
Identifiers: ClinVar variation 2652399 (VCV002652399.27), dbSNP rs766214850, ClinGen allele CA9908431.

ClinVar aggregate classification (germline): Likely benign. Review status: criteria provided, multiple submitters, no conflicts (2 of 4 stars). 2 submissions from 2 submitters: Likely benign (2). Last evaluated 2024-02-26.

Allele frequency attached by ClinVar (database versions not stated): ExAC 0.00001; TOPMed 0.00001; gnomAD exomes 0.00003.
gnomAD v4.1: 40 of 1,612,380 alleles (0.0025%); highest among the groups gnomAD compares: Non-Finnish European, 0.0031%; no homozygotes.

Submissions (2):

Labcorp Genetics (formerly Invitae), Labcorp
Classification: Likely benign. Last evaluated: 2024-02-26. Review status: criteria provided, single submitter. Criteria: Invitae Variant Classification Sherloc (09022015). Collection method: clinical testing. Allele origin: germline.

CeGaT Center for Human Genetics Tuebingen
Classification: Likely benign. Last evaluated: 2022-09-01. Review status: criteria provided, single submitter. Criteria: CeGaT Center For Human Genetics Tuebingen Variant Classification Criteria Version 2. Collection method: clinical testing. Allele origin: germline. Affected: yes. Observed: 1 variant allele.
Comment: ADNP: BP4, BP7